The following is an entry in ClinVar:

NM_004259.7(RECQL5):c.545G>A (p.Arg182His)

Gene: RECQL5 (RecQ like helicase 5; minus strand). Cytogenetic location: 17q25.1.
Variant type: single nucleotide variant.
Coding change: c.545G>A on transcript NM_004259.7 (MANE Select); coding-DNA position 545, G replaced by A.
Protein change: p.Arg182His; replaces arginine 182 with histidine.
Molecular consequence: missense variant.
Genome position (GRCh38, 1-based): chr17:75,662,705, C>T on the plus strand (G>A on the coding strand, the complement: RECQL5 is on the minus strand). VCF-style: chr17-75662705-C-T. GRCh37 (hg19) VCF-style: chr17-73658785-C-T.
Other names: c.545G>A, p.Arg182His (NM_001003715.4, NM_001003716.4); short protein forms R182H.
Identifiers: ClinVar variation 2634343 (VCV002634343.2), dbSNP rs369553617, ClinGen allele CA8767924.

ClinVar aggregate classification (germline): Uncertain significance (1 of 4 stars; one submission).

Conditions:
RECQL5-related disorder. Also called: RECQL5-related condition.

Allele frequency attached by ClinVar (database versions not stated): ExAC 0.00005; gnomAD exomes 0.00006; ESP Exome Variant Server 0.00008; gnomAD 0.00009.
gnomAD v4.1: 95 of 1,613,864 alleles (0.0059%); highest among the groups gnomAD compares: Middle Eastern, 0.033%; no homozygotes.

Submission:

PreventionGenetics, part of Exact Sciences
Classification: Uncertain significance for RECQL5-related condition. Last evaluated: 2024-12-30. Review status: criteria provided, single submitter. Criteria: ACMG Guidelines, 2015. Collection method: clinical testing. Allele origin: germline.
Comment: The RECQL5 c.545G>A variant is predicted to result in the amino acid substitution p.Arg182His. To our knowledge, this variant has not been reported in the literature. This variant is reported in 0.013% of alleles in individuals of European (Non-Finnish) descent in gnomAD. This variant is interpreted as variant of uncertain significance in ClinVar. At this time, the clinical significance of this variant is uncertain due to the absence of conclusive functional and genetic evidence.